The following is an entry in ClinVar:

NM_003183.6(ADAM17):c.671C>T (p.Thr224Met)

Gene: ADAM17 (ADAM metallopeptidase domain 17; minus strand). Cytogenetic location: 2p25.1.
Variant type: single nucleotide variant.
Coding change: c.671C>T on transcript NM_003183.6 (MANE Select); coding-DNA position 671, C replaced by T.
Protein change: p.Thr224Met; replaces threonine 224 with methionine.
Molecular consequence: missense variant. On other transcripts: 5 prime UTR variant (1).
Genome position (GRCh38, 1-based): chr2:9,526,193, G>A on the plus strand (C>T on the coding strand, the complement: ADAM17 is on the minus strand). VCF-style: chr2-9526193-G-A. GRCh37 (hg19) VCF-style: chr2-9666322-G-A.
Other names: c.11C>T, p.Thr4Met (NM_001382777.1); c.-232C>T (NM_001382778.1); short protein forms T4M, T224M.
Identifiers: ClinVar variation 1351001 (VCV001351001.6), dbSNP rs548923032, ClinGen allele CA42385479.
Genomic context (GRCh38, chr2:9,526,193, plus strand): 5'-TCTTCCCCTCTGCCCATGTATCTGTAGAAGCGATGATCTGCTACCACCAATAATTTACAC[G>A]TGTTCTTCATGGGATCTGGGTCAGCTCTTCTTTTCACTCGATGAACAAGCTCTAATATGA-3'
Protein context (NP_003174.3, residues 214-234): RRADPDPMKN[Thr224Met]CKLLVVADHR

ClinVar aggregate classification (germline): Uncertain significance (1 of 4 stars; one submission).

Conditions:
Inflammatory skin and bowel disease, neonatal, 1. Identifiers: Orphanet 294023, MedGen C3280501, MONDO:0013693, OMIM 614328.

Allele frequency attached by ClinVar (database versions not stated): gnomAD exomes below 0.00001.
gnomAD v4.1: 4 of 1,613,520 alleles (0.00025%); highest among the groups gnomAD compares: Non-Finnish European, 0.00034%; no homozygotes.

Submission:

Labcorp Genetics (formerly Invitae), Labcorp
Classification: Uncertain significance for Inflammatory skin and bowel disease, neonatal, 1. Last evaluated: 2022-07-05. Review status: criteria provided, single submitter. Criteria: Invitae Variant Classification Sherloc (09022015). Collection method: clinical testing. Allele origin: germline.
Comment: This sequence change replaces threonine, which is neutral and polar, with methionine, which is neutral and non-polar, at codon 224 of the ADAM17 protein (p.Thr224Met). This variant is not present in population databases (gnomAD no frequency). This variant has not been reported in the literature in individuals affected with ADAM17-related conditions. ClinVar contains an entry for this variant (Variation ID: 1351001). Algorithms developed to predict the effect of missense changes on protein structure and function are either unavailable or do not agree on the potential impact of this missense change (SIFT: "Not Available"; PolyPhen-2: "Probably Damaging"; Align-GVGD: "Not Available"). In summary, the available evidence is currently insufficient to determine the role of this variant in disease. Therefore, it has been classified as a Variant of Uncertain Significance.